The following is an entry in ClinVar:

ClinVar aggregate classification (germline): Uncertain significance (1 of 4 stars; one submission).

Allele frequency attached by ClinVar (database versions not stated): gnomAD exomes 0.00003; gnomAD 0.00007; ESP Exome Variant Server 0.00008.
gnomAD v4.1: 59 of 1,612,284 alleles (0.0037%); highest among the groups gnomAD compares: Admixed American, 0.0083%; no homozygotes.

Submission:

Labcorp Genetics (formerly Invitae), Labcorp
Classification: Uncertain significance. Last evaluated: 2024-07-31. Review status: criteria provided, single submitter. Criteria: Invitae Variant Classification Sherloc (09022015). Collection method: clinical testing. Allele origin: germline.
Comment: This sequence change replaces arginine, which is basic and polar, with cysteine, which is neutral and slightly polar, at codon 117 of the KRT17 protein (p.Arg117Cys). This variant is present in population databases (rs375507162, gnomAD 0.01%). This variant has not been reported in the literature in individuals affected with KRT17-related conditions. Advanced modeling of protein sequence and biophysical properties (such as structural, functional, and spatial information, amino acid conservation, physicochemical variation, residue mobility, and thermodynamic stability) has been performed at Invitae for this missense variant, however the output from this modeling did not meet the statistical confidence thresholds required to predict the impact of this variant on KRT17 protein function. In summary, the available evidence is currently insufficient to determine the role of this variant in disease. Therefore, it has been classified as a Variant of Uncertain Significance.

NM_000422.3(KRT17):c.349C>T (p.Arg117Cys)

Gene: KRT17 (keratin 17; minus strand). Cytogenetic location: 17q21.2.
Variant type: single nucleotide variant.
Coding change: c.349C>T on transcript NM_000422.3 (MANE Select); coding-DNA position 349, C replaced by T.
Protein change: p.Arg117Cys; replaces arginine 117 with cysteine.
Molecular consequence: missense variant.
Genome position (GRCh38, 1-based): chr17:41,624,161, G>A on the plus strand (C>T on the coding strand, the complement: KRT17 is on the minus strand). VCF-style: chr17-41624161-G-A. GRCh37 (hg19) VCF-style: chr17-39780413-G-A.
Other names: short protein forms R117C.
Identifiers: ClinVar variation 2888549 (VCV002888549.3), dbSNP rs375507162, ClinGen allele CA8563790.